The following is an entry in ClinVar:

NM_001375380.1(EBF3):c.955C>A (p.His319Asn)

Genes: EBF3 (EBF transcription factor 3; minus strand), EBF3-AS1 (EBF3 antisense RNA 1; plus strand). Cytogenetic location: 10q26.3.
Variant type: single nucleotide variant.
Coding change: c.955C>A on transcript NM_001375380.1 (MANE Select); coding-DNA position 955, C replaced by A.
Protein change: p.His319Asn; replaces histidine 319 with asparagine.
Molecular consequence: missense variant.
Genome position (GRCh38, 1-based): chr10:129,867,225, G>T on the plus strand (C>A on the coding strand, the complement: EBF3 is on the minus strand). VCF-style: chr10-129867225-G-T. GRCh37 (hg19) VCF-style: chr10-131665489-G-T.
Other names: c.928C>A, p.His310Asn (NM_001005463.3, NM_001375390.1, NM_001375392.1); c.955C>A, p.His319Asn (NM_001375379.1, NM_001375389.1, NM_001375391.1); short protein forms H310N, H319N.
Identifiers: ClinVar variation 3899680 (VCV003899680.1).

ClinVar aggregate classification (germline): Uncertain significance (1 of 4 stars; one submission).

Submission:

GeneDx
Classification: Uncertain significance. Last evaluated: 2024-11-12. Review status: criteria provided, single submitter. Criteria: GeneDx Variant Classification Process June 2021. Collection method: clinical testing. Allele origin: germline. Affected: yes.
Comment: Not observed at significant frequency in large population cohorts (gnomAD); In silico analysis supports that this missense variant has a deleterious effect on protein structure/function; Has not been previously published as pathogenic or benign to our knowledge